The following is an entry in ClinVar:

ClinVar aggregate classification (germline): Uncertain significance. Review status: criteria provided, multiple submitters, no conflicts (2 of 4 stars). 2 submissions from 2 submitters: Uncertain significance (2). Last evaluated 2025-07-14.

Conditions:
Perlman syndrome (PRLMNS). Identifiers: Orphanet 2849, MedGen C0796113, MONDO:0009965, OMIM 267000.

Allele frequency attached by ClinVar (database versions not stated): gnomAD exomes 0.00002; gnomAD 0.00003; TOPMed 0.00002.
gnomAD v4.1: 9 of 1,613,870 alleles (0.00056%); highest among the groups gnomAD compares: Non-Finnish European, 0.00076%; no homozygotes.

Submissions (2):

Labcorp Genetics (formerly Invitae), Labcorp
Classification: Uncertain significance for Perlman syndrome. Last evaluated: 2025-07-14. Review status: criteria provided, single submitter. Criteria: Invitae Variant Classification Sherloc (09022015). Collection method: clinical testing. Allele origin: germline.
Comment: This sequence change replaces glycine, which is neutral and non-polar, with arginine, which is basic and polar, at codon 29 of the DIS3L2 protein (p.Gly29Arg). This variant is present in population databases (rs779277888, gnomAD 0.004%). This variant has not been reported in the literature in individuals affected with DIS3L2-related conditions. ClinVar contains an entry for this variant (Variation ID: 653222). An algorithm developed to predict the effect of missense changes on protein structure and function (PolyPhen-2) suggests that this variant is likely to be tolerated. In summary, the available evidence is currently insufficient to determine the role of this variant in disease. Therefore, it has been classified as a Variant of Uncertain Significance.

Institute of Human Genetics, University of Leipzig Medical Center
Classification: Uncertain significance for Perlman syndrome. Last evaluated: 2019-01-01. Review status: criteria provided, single submitter. Criteria: ACMG Guidelines, 2015. Collection method: clinical testing. Allele origin: unknown. Affected: yes.

NM_152383.5(DIS3L2):c.85G>C (p.Gly29Arg)

Gene: DIS3L2 (DIS3 like 3'-5' exoribonuclease 2; plus strand). Cytogenetic location: 2q37.1.
Variant type: single nucleotide variant.
Coding change: c.85G>C on transcript NM_152383.5 (MANE Select); coding-DNA position 85, G replaced by C.
Protein change: p.Gly29Arg; replaces glycine 29 with arginine.
Molecular consequence: missense variant. On other transcripts: non-coding transcript variant (2).
Genome position (GRCh38, 1-based): chr2:232,015,546, G>C. VCF-style: chr2-232015546-G-C. GRCh37 (hg19) VCF-style: chr2-232880256-G-C.
Other names: c.85G>C, p.Gly29Arg (NM_001257281.2, NM_001257282.2); short protein forms G29R.
Identifiers: ClinVar variation 653222 (VCV000653222.9), dbSNP rs779277888, ClinGen allele CA2163717.
Genomic context (GRCh38, chr2:232,015,546, plus strand): 5'-AGAGTTGATTGCTGCCTCCTGTTTCTAGGTGTGTCTGCTGTGGCTGGTCCACATGACATT[G>C]GTGCTTCGCCAGGTGACAAAAAGTCAAAGAACAGGTCCACACGAGGGAAGAAAAAGAGCA-3'
Protein context (NP_689596.4, residues 19-39): VSAVAGPHDI[Gly29Arg]ASPGDKKSKN